The following is an entry in ClinVar:

NM_000051.4(ATM):c.6931_6933del (p.Ile2311del)

Genes: ATM (ATM serine/threonine kinase; plus strand), C11orf65 (chromosome 11 open reading frame 65; minus strand). Cytogenetic location: 11q22.3.
Variant type: Deletion.
Coding change: c.6931_6933del on transcript NM_000051.4 (MANE Select); coding-DNA positions 6931 to 6933, 3 bases deleted (ATT; older notation c.6931_6933delATT).
Protein change: p.Ile2311del; deletes isoleucine 2311.
Molecular consequence: inframe deletion. On other transcripts: intron variant (2).
Genome position (GRCh38, 1-based): chr11:108,326,181-108,326,183, ATT deleted; deleting any 3 consecutive bases within chr11:108,326,180-108,326,183 gives the same sequence; the c. name uses the placement nearest the transcript's 3' end. VCF-style (leftmost placement, unchanged base first): chr11-108326179-GTAT-G. GRCh37 (hg19) VCF-style: chr11-108196906-GTAT-G.
Other names: c.6931_6933del, p.Ile2311del (NM_001351834.2); c.641-17111_641-17109del (NM_001330368.2); c.*38+9038_*38+9040del (NM_001351110.2); short protein forms I2311del.
Identifiers: ClinVar variation 3222669 (VCV003222669.1), dbSNP rs2547218259, ClinGen allele CA2825001938.

ClinVar aggregate classification (germline): Uncertain significance (1 of 4 stars; one submission).

Conditions:
Hereditary cancer-predisposing syndrome. Also called: Tumor predisposition; Hereditary Cancer Syndrome; Hereditary neoplastic syndrome; Neoplastic Syndromes, Hereditary. Identifiers: Orphanet 140162, MedGen C0027672, MeSH D009386, MONDO:0015356.

Submission:

Ambry Genetics
Classification: Uncertain significance for Hereditary cancer-predisposing syndrome. Last evaluated: 2023-11-15. Review status: criteria provided, single submitter. Criteria: Ambry Variant Classification Scheme 2023. Collection method: clinical testing. Allele origin: germline.
Comment: The c.6931_6933delATT variant (also known as p.I2311del) is located in coding exon 46 of the ATM gene. This variant results from an in-frame ATT deletion at nucleotide positions 6931 to 6933. This results in the in-frame deletion of an isoleucine at codon 2311. This amino acid position is well conserved in available vertebrate species. In addition, this alteration is predicted to be deleterious by in silico analysis (Choi Y et al. PLoS ONE. 2012; 7(10):e46688). Since supporting evidence is limited at this time, the clinical significance of this alteration remains unclear.